The following is an entry in ClinVar:

NM_005902.4(SMAD3):c.1032C>A (p.Asn344Lys)

Gene: SMAD3 (SMAD family member 3; plus strand). Cytogenetic location: 15q22.33.
Variant type: single nucleotide variant.
Coding change: c.1032C>A on transcript NM_005902.4 (MANE Select); coding-DNA position 1032, C replaced by A.
Protein change: p.Asn344Lys; replaces asparagine 344 with lysine.
Molecular consequence: missense variant.
Genome position (GRCh38, 1-based): chr15:67,187,387, C>A. VCF-style: chr15-67187387-C-A. GRCh37 (hg19) VCF-style: chr15-67479725-C-A.
Other names: c.717C>A, p.Asn239Lys (NM_001145102.2, NM_001407016.1); c.447C>A, p.Asn149Lys (NM_001145104.2, NM_001407017.1); c.900C>A, p.Asn300Lys (NM_001145103.2, NM_001407012.1); c.1143C>A, p.Asn381Lys (NM_001407011.1); c.894C>A, p.Asn298Lys (NM_001407013.1); c.885C>A, p.Asn295Lys (NM_001407014.1); c.585C>A, p.Asn195Lys (NM_001407015.1); short protein forms N300K, N381K, N195K, N295K, N298K, N344K, N149K, N239K.
Identifiers: ClinVar variation 4170027 (VCV004170027.1).

ClinVar aggregate classification (germline): Uncertain significance (1 of 4 stars; one submission).

Conditions:
Familial thoracic aortic aneurysm and aortic dissection (TAAD). Also called: Thoracic aortic aneurysms and dissections. Identifiers: Orphanet 91387, MedGen C4707243, MONDO:0019625.

gnomAD v4.1: 1 of 1,614,192 alleles (0.000062%); highest among the groups gnomAD compares: Non-Finnish European, 0.000085%; no homozygotes.

Submission:

Ambry Genetics
Classification: Uncertain significance for Familial thoracic aortic aneurysm and aortic dissection. Last evaluated: 2025-09-08. Review status: criteria provided, single submitter. Criteria: Ambry Variant Classification Scheme 2023. Collection method: clinical testing. Allele origin: germline.
Comment: The p.N344K variant (also known as c.1032C>A), located in coding exon 8 of the SMAD3 gene, results from a C to A substitution at nucleotide position 1032. The asparagine at codon 344 is replaced by lysine, an amino acid with similar properties. This amino acid position is highly conserved in available vertebrate species. In addition, the in silico prediction for this alteration is inconclusive. Based on the available evidence, the clinical significance of this variant remains unclear.